The following is an entry in ClinVar:

NM_206933.4(USH2A):c.12944C>T (p.Thr4315Ile)

Gene: USH2A (usherin; minus strand). Cytogenetic location: 1q41.
Variant type: single nucleotide variant.
Coding change: c.12944C>T on transcript NM_206933.4 (MANE Select); coding-DNA position 12944, C replaced by T.
Protein change: p.Thr4315Ile; replaces threonine 4315 with isoleucine.
Molecular consequence: missense variant.
Genome position (GRCh38, 1-based): chr1:215,674,967, G>A on the plus strand (C>T on the coding strand, the complement: USH2A is on the minus strand). VCF-style: chr1-215674967-G-A. GRCh37 (hg19) VCF-style: chr1-215848309-G-A.
Other names: short protein forms T4315I.
Identifiers: ClinVar variation 3251386 (VCV003251386.3), dbSNP rs754854599.

ClinVar aggregate classification (germline): Uncertain significance. Review status: criteria provided, multiple submitters, no conflicts (2 of 4 stars). 3 submissions from 3 submitters: Uncertain significance (3). Last evaluated 2024-10-22.

Allele frequency attached by ClinVar (database versions not stated): gnomAD 0.00001; gnomAD exomes 0.00003; ExAC 0.00007.
gnomAD v4.1: 52 of 1,614,068 alleles (0.0032%); highest among the groups gnomAD compares: South Asian, 0.054%; 1 homozygote.

Submissions (3):

Labcorp Genetics (formerly Invitae), Labcorp
Classification: Uncertain significance. Last evaluated: 2024-10-22. Review status: criteria provided, single submitter. Criteria: Invitae Variant Classification Sherloc (09022015). Collection method: clinical testing. Allele origin: germline.
Comment: This sequence change replaces threonine, which is neutral and polar, with isoleucine, which is neutral and non-polar, at codon 4315 of the USH2A protein (p.Thr4315Ile). This variant is present in population databases (rs754854599, gnomAD 0.06%). This variant has not been reported in the literature in individuals affected with USH2A-related conditions. Invitae Evidence Modeling of protein sequence and biophysical properties (such as structural, functional, and spatial information, amino acid conservation, physicochemical variation, residue mobility, and thermodynamic stability) indicates that this missense variant is not expected to disrupt USH2A protein function with a negative predictive value of 95%. In summary, the available evidence is currently insufficient to determine the role of this variant in disease. Therefore, it has been classified as a Variant of Uncertain Significance.

Women's Health and Genetics/Laboratory Corporation of America, LabCorp
Classification: Uncertain significance. Last evaluated: 2024-04-09. Review status: criteria provided, single submitter. Criteria: LabCorp Variant Classification Summary - May 2015. Collection method: clinical testing. Allele origin: germline.
Comment: Variant summary: USH2A c.12944C>T (p.Thr4315Ile) results in a non-conservative amino acid change located in the Fibronectin type III domain (IPR003961) of the encoded protein sequence. Four of five in-silico tools predict a damaging effect of the variant on protein function. The variant allele was found at a frequency of 6.8e-05 in 250850 control chromosomes (gnomAD). This frequency is not significantly higher than estimated for a pathogenic variant in USH2A causing Usher Syndrome (6.8e-05 vs 0.011), allowing no conclusion about variant significance. To our knowledge, no occurrence of c.12944C>T in individuals affected with Usher Syndrome and no experimental evidence demonstrating its impact on protein function have been reported. No submitters have cited clinical-significance assessments for this variant to ClinVar. Based on the evidence outlined above, the variant was classified as uncertain significance.

Blueprint Genetics
Classification: Uncertain significance. Last evaluated: 2024-02-12. Review status: criteria provided, single submitter. Criteria: ACMG Guidelines, 2015. Collection method: clinical testing. Allele origin: germline.